The following is an entry in ClinVar:

NM_000520.6(HEXA):c.1305C>T (p.Tyr435=)

Gene: HEXA (hexosaminidase subunit alpha; minus strand). Cytogenetic location: 15q23.
Variant type: single nucleotide variant.
Coding change: c.1305C>T on transcript NM_000520.6 (MANE Select); coding-DNA position 1305, C replaced by T.
Protein change: p.Tyr435=; no amino-acid change (tyrosine 435 retained).
Molecular consequence: synonymous variant.
Genome position (GRCh38, 1-based): chr15:72,346,552, G>A on the plus strand (C>T on the coding strand, the complement: HEXA is on the minus strand). VCF-style: chr15-72346552-G-A. GRCh37 (hg19) VCF-style: chr15-72638893-G-A.
Other names: c.1338C>T, p.Tyr446= (NM_001318825.2).
Identifiers: ClinVar variation 100729 (VCV000100729.20), dbSNP rs587779406, ClinGen allele CA267587.

ClinVar aggregate classification (germline): Pathogenic/Likely pathogenic. Review status: criteria provided, multiple submitters, no conflicts (2 of 4 stars). 10 submissions from 10 submitters: Pathogenic (6); Likely pathogenic (2). 2 of the submissions do not count toward it. Last evaluated 2026-07-01.

Conditions:
Leukodystrophy. Identifiers: Orphanet 68356, MedGen C0023520, MONDO:0019046, HP:0002415.
Hearing impairment. Also called: Impaired Hearing. Identifiers: MedGen C1384666, MONDO:0005365, HP:0000365.
Seizure. Also called: Seizures. Identifiers: MedGen C0036572, HP:0001250.
Inborn genetic diseases. Identifiers: MedGen C0950123, MeSH D030342.
Tay-Sachs disease (TSD). Also called: GM2 gangliosidosis, type 1; Hexosaminidase alpha-subunit deficiency (variant B); Sphingolipidosis, Tay-Sachs; HEXA Disorders; HEXA DEFICIENCY; Hexosaminidase A Deficiency. Identifiers: Orphanet 845, MedGen C0039373, MONDO:0010100, OMIM 272800.

Allele frequency attached by ClinVar (database versions not stated): gnomAD exomes 0.00003 and 0.00008; ExAC 0.00005; TOPMed 0.00008; gnomAD 0.00010 and 0.00011.

Submissions (10):

CeGaT Center for Human Genetics Tuebingen
Classification: Pathogenic. Last evaluated: 2026-07-01. Review status: criteria provided, single submitter. Criteria: CeGaT Center For Human Genetics Tuebingen Variant Classification Criteria Version 2. Collection method: clinical testing. Allele origin: germline. Affected: yes. Observed: 1 variant allele.
Comment: HEXA: PVS1, PM3:Strong, PM2

Women's Health and Genetics/Laboratory Corporation of America, LabCorp
Classification: Pathogenic for Tay-Sachs disease. Last evaluated: 2026-05-26. Review status: criteria provided, single submitter. Criteria: LabCorp Variant Classification Summary - May 2015. Collection method: clinical testing. Allele origin: germline.
Comment: Variant summary: HEXA c.1305C>T alters a conserved nucleotide resulting in a synonymous change. Several computational tools predict a significant impact on normal splicing, particularly that the variant affects exonic splicing enhancer/silencer site(s), resulting in a higher chance of exon skipping than the WT allele. Experimental evidence supports these predictions, demonstrating that the variant leads to complete absence of the normal transcript and formation of aberrant transcripts (Levit_2010). The variant allele was found at a frequency of 8e-05 in 251370 control chromosomes. GnomAD also indicates that this variant is part of a multinucleotide variation (MNV), comprising of c.1305C>T and c.1306A>G (p.Ile436Val). The neighboring single nucleotide variant c.1306A>G (p.Ile436Val) has been found at a population frequency of 0.96 (gnomAD), suggesting that it is the major allele. Examination of the IGV read data in the gnomAD database supports that the two variants tend to occur together in the same allele. Based on these results, it can be estimated that the c.1305C>T variant in isolation will be found at a frequency not to exceed 4e-05. This frequency is not higher than the maximum expected for a pathogenic variant in HEXA causing Tay-Sachs Disease (0.0014), allowing no conclusion about variant significance. c.1305C>T has been observed in individuals affected with the juvenile form Tay-Sachs Disease (Levit_2010, Gort_2012, Fernandez-Marmiesse_2014, Georgiou_2014, Martinez-Rubio_2022, Ries_2022). Since these papers didn't specify the sequence context for the variant, it is unclear whether some of the reported patients could carry the MNV (c.1305_1306delinsTG), and this could not be confirmed with the authors at time of classification. The c.1306A>G (p.Ile436Val) in isolation has been reported as benign among several submitters in the ClinVar database (ClinVar ID 93189). The following publications have been ascertained in the context of this evaluation (PMID: 24767253, 25606403, 22789865, 20363167, 36233161, 36194207). ClinVar contains an entry for this variant (Variation ID: 100729). Based on the evidence outlined above, the variant was classified as pathogenic.

Labcorp Genetics (formerly Invitae), Labcorp
Classification: Pathogenic for Tay-Sachs disease. Last evaluated: 2025-12-09. Review status: criteria provided, single submitter. Criteria: Invitae Variant Classification Sherloc (09022015). Collection method: clinical testing. Allele origin: germline.
Comment: This sequence change affects codon 435 of the HEXA mRNA. It is a 'silent' change, meaning that it does not change the encoded amino acid sequence of the HEXA protein. RNA analysis indicates that this variant induces altered splicing and may result in an absent or altered protein product. This variant is present in population databases (rs587779406, gnomAD 0.05%), and has an allele count higher than expected for a pathogenic variant. This variant has been observed in individual(s) with juvenile Tay-Sachs disease (PMID: 20363167, 22789865, 24767253, 25606403). In at least one individual the data is consistent with being in trans (on the opposite chromosome) from a pathogenic variant. ClinVar contains an entry for this variant (Variation ID: 100729). Studies have shown that this variant results in skipping of exons 9-12, and produces a non-functional protein and/or introduces a premature termination codon (PMID: 20363167). For these reasons, this variant has been classified as Pathogenic.

Natera, Inc.
Classification: Pathogenic for Tay-Sachs disease. Last evaluated: 2025-09-01. Review status: criteria provided, single submitter. Criteria: Natera Variant Classification Schema (03/2026). Collection method: clinical testing. Allele origin: germline.
Comment: The c.1305C>T variant in HEXA is a synonymous variant that does not alter the encoded amino acid at position 435 (p.Y435=). This variant is rare in the general population with a frequency below the threshold expected for the associated phenotype(s). This variant has been observed in one or more individuals affected with the associated recessive disease, as either homozygous or compound heterozygous with a second variant (PMID: 24767253, 22789865, 25606403, 36233161). Functional studies show that this variant may disrupt protein function (PMID: 20363167). Computational prediction algorithms indicate this variant is likely to affect gene or protein function. Given the available evidence, this variant is classified as Pathogenic.

Ambry Genetics
Classification: Pathogenic for Inborn genetic diseases. Last evaluated: 2024-06-05. Review status: criteria provided, single submitter. Criteria: Ambry Variant Classification Scheme 2023. Collection method: clinical testing. Allele origin: germline.
Comment: The c.1305C>T (p.Y435Y) alteration is located in coding exon 11 of the HEXA gene. This alteration consists of a C to T substitution at nucleotide position 1305. This nucleotide substitution does not change the amino acid at codon 435. However, further evidence has suggested this nucleotide change is deleterious. Based on data from gnomAD, the T allele has an overall frequency of 0.009% (24/282766) total alleles studied. The highest observed frequency was 0.048% (17/35436) of Latino alleles. This alteration was detected in conjunction with another alteration in HEXA, in multiple individuals with Tay-Sachs disease (Gort, 2012; Fernandez-Marmiesse, 2014; Georgiou, 2014). This nucleotide position is well conserved in available vertebrate species. In an assay testing HEXA function, this variant showed a functionally abnormal result (Levit, 2010). In silico splice site analysis for this alteration is inconclusive. Based on the available evidence, this alteration is classified as pathogenic.

GeneDx
Classification: Pathogenic. Last evaluated: 2024-04-05. Review status: criteria provided, single submitter. Criteria: GeneDx Variant Classification Process June 2021. Collection method: clinical testing. Allele origin: germline. Affected: yes.
Comment: This variant is associated with the following publications: (PMID: 20363167, 25606403, 22789865)

Laboratorio de Genetica e Diagnostico Molecular, Hospital Israelita Albert Einstein
Classification: Likely pathogenic for Hearing impairment; Leukodystrophy; Seizure. Last evaluated: 2021-06-21. Review status: criteria provided, single submitter. Criteria: ACMG Guidelines, 2015. Collection method: clinical testing. Allele origin: germline. Affected: yes.
Comment: ACMG classification criteria: PS4 moderate, PM2 moderate, PM3 moderate

Rady Children's Institute for Genomic Medicine, Rady Children's Hospital San Diego
Classification: Likely pathogenic for Hexosaminidase A deficiency. Review status: criteria provided, single submitter. Criteria: ACMG Guidelines, 2015. Collection method: clinical testing. Allele origin: germline. Affected: yes.
Comment: This synonymous variant affects a weakly conserved nucleotide in exon 11 of 14 and is predicted to affect an exonic splicing enhancer site. Functional evidence suggests this variant may lead to exon 11 skipping and is likely to interfere with normal splicing (PMID: 20363167). This variant has been previously reported as a compound heterozygous change in patients with juvenile Tay-Sachs disease, Tay-Sachs disease, and juvenile type 2 gangliosidosis (PMID 24767253, 20363167, 22789865, 25606403). The c.1305C>T (p.Tyr435=) variant is present in the heterozygous state in the gnomAD population database at a frequency of 0.008% (24/282766) and is absent in the homozygous state. Based on the available evidence, the c.1305C>T (p.Tyr435=) variant is classified as Likely Pathogenic.

Counsyl
Classification: Likely pathogenic for Tay-Sachs disease. Last evaluated: 2014-10-08. Review status: no assertion criteria provided. Collection method: literature only. Allele origin: unknown. Inheritance: Autosomal recessive inheritance. Not counted in ClinVar's aggregate classification.

Unidad de Diagnostico y Tratamiento de Errores Congenitos del Metabolismo. Hospital Clínico Universitário de Santiago de Compostela
Classification: Pathogenic for Tay-Sachs disease. Review status: no assertion criteria provided. Collection method: research. Allele origin: inherited. Affected: yes. Not counted in ClinVar's aggregate classification.

Literature cited by the submitters: PubMed 20363167 (cited by 5 submitters); PubMed 22789865 (cited by 5 submitters); PubMed 24767253 (cited by 5 submitters); PubMed 25606403 (cited by 4 submitters); PubMed 36233161 (cited by Women's Health and Genetics/Laboratory Corporation of America, LabCorp and Natera, Inc.); PubMed 36194207 (cited by Women's Health and Genetics/Laboratory Corporation of America, LabCorp).